The following is an entry in ClinVar:

ClinVar aggregate classification (germline): Pathogenic (1 of 4 stars; one submission).

Allele frequency attached by ClinVar (database versions not stated): gnomAD exomes below 0.00001.
gnomAD v4.1: 1 of 1,612,692 alleles (0.000062%); highest among the groups gnomAD compares: Non-Finnish European, 0.000085%; no homozygotes.

Submission:

GeneDx
Classification: Pathogenic. Last evaluated: 2017-07-06. Review status: criteria provided, single submitter. Criteria: GeneDx Variant Classification (06012015). Collection method: clinical testing. Allele origin: germline. Affected: yes.
Comment: The Q195X variant in the PLOD1 gene has not been reported previously as a pathogenic variant nor as a benign variant, to our knowledge. This variant is predicted to cause loss of normal protein function either through protein truncation or nonsense-mediated mRNA decay. The Q195X variant is not observed in large population cohorts (Lek et al., 2016; 1000 Genomes Consortium et al., 2015; Exome Variant Server). We interpret Q195X as a pathogenic variant.

NM_000302.4(PLOD1):c.583C>T (p.Gln195Ter)

Gene: PLOD1 (procollagen-lysine,2-oxoglutarate 5-dioxygenase 1; plus strand). Cytogenetic location: 1p36.22.
Variant type: single nucleotide variant.
Coding change: c.583C>T on transcript NM_000302.4 (MANE Select); coding-DNA position 583, C replaced by T.
Protein change: p.Gln195Ter; replaces glutamine 195 with a stop codon.
Molecular consequence: nonsense.
Genome position (GRCh38, 1-based): chr1:11,954,833, C>T. VCF-style: chr1-11954833-C-T. GRCh37 (hg19) VCF-style: chr1-12014890-C-T.
Other names: c.724C>T, p.Gln242Ter (NM_001316320.2); short protein forms Q195*, Q242*.
Identifiers: ClinVar variation 450403 (VCV000450403.2), dbSNP rs1553134578, ClinGen allele CA338428919.
Genomic context (GRCh38, chr1:11,954,833, plus strand): 5'-GCCCCAGCCTCCCCCAGGGCCTGTCCCTGCTGCAGTCTGGTACCTTCTTTCCTGCAGGAG[C>T]AGATCAATATCACCCTGGACCACCGCTGCCGTATCTTCCAGAACCTGGATGGAGCCTTGG-3'